The following is an entry in ClinVar:

ClinVar aggregate classification (germline): Uncertain significance (1 of 4 stars; one submission).

Submission:

Labcorp Genetics (formerly Invitae), Labcorp
Classification: Uncertain significance. Last evaluated: 2023-10-29. Review status: criteria provided, single submitter. Criteria: Invitae Variant Classification Sherloc (09022015). Collection method: clinical testing. Allele origin: unknown.
Comment: This variant results in a copy number gain of the genomic region encompassing exon(s) 1 of the FGD1 gene. This region includes the initiator codon of the gene. This copy number gain extends beyond the assayed region for this gene and therefore may encompass additional genes. As the precise location of this event is unknown, it may be in tandem or it may be located elsewhere in the genome. This variant has not been reported in the literature in individuals affected with FGD1-related conditions. In summary, the available evidence is currently insufficient to determine the role of this variant in disease. Therefore, it has been classified as a Variant of Uncertain Significance.

NC_000023.10:g.(?_54521539)_(54521865_?)dup

Gene: FGD1 (FYVE, RhoGEF and PH domain containing 1; minus strand). Cytogenetic location: Xp11.22.
Variant type: Duplication.
Identifiers: ClinVar variation 3246607 (VCV003246607.1).